The following is an entry in ClinVar:

ClinVar aggregate classification (germline): Benign/Likely benign. Review status: criteria provided, multiple submitters, no conflicts (2 of 4 stars). 2 submissions from 2 submitters: Benign (1); Likely benign (1). Last evaluated 2024-04-05.

Conditions:
Hereditary cancer-predisposing syndrome. Also called: Neoplastic Syndromes, Hereditary; Tumor predisposition; Hereditary Cancer Syndrome; Hereditary neoplastic syndrome. Identifiers: Orphanet 140162, MedGen C0027672, MeSH D009386, MONDO:0015356.
Familial adenomatous polyposis 1 (FAP1). Also called: FAMILIAL ADENOMATOUS POLYPOSIS 1, ATTENUATED; POLYPOSIS, ADENOMATOUS INTESTINAL. Identifiers: MedGen C2713442, MONDO:0021056, OMIM 175100. Disease mechanism: loss of function.

Submissions (2):

Myriad Genetics, Inc.
Classification: Benign for Familial adenomatous polyposis 1. Last evaluated: 2024-04-05. Review status: criteria provided, single submitter. Criteria: Myriad Autosomal Dominant, Autosomal Recessive and X-Linked Classification Criteria (2023). Collection method: clinical testing. Allele origin: unknown.
Comment: This variant is considered benign. This variant is a silent/synonymous amino acid change and it is not expected to impact splicing.

Ambry Genetics
Classification: Likely benign for Hereditary cancer-predisposing syndrome. Last evaluated: 2020-08-12. Review status: criteria provided, single submitter. Criteria: Ambry Variant Classification Scheme 2023. Collection method: clinical testing. Allele origin: germline.

NM_000038.6(APC):c.6771C>G (p.Ala2257=)

Gene: APC (APC regulator of Wnt signaling pathway; plus strand). Cytogenetic location: 5q22.2.
Variant type: single nucleotide variant.
Coding change: c.6771C>G on transcript NM_000038.6 (MANE Select); coding-DNA position 6771, C replaced by G.
Protein change: p.Ala2257=; no amino-acid change (alanine 2257 retained).
Molecular consequence: synonymous variant. On other transcripts: non-coding transcript variant (2).
Genome position (GRCh38, 1-based): chr5:112,842,365, C>G. VCF-style: chr5-112842365-C-G. GRCh37 (hg19) VCF-style: chr5-112178062-C-G.
Other names: c.6771C>G, p.Ala2257= (NM_001127510.3, NM_001354895.2, NM_001407450.1); c.6717C>G, p.Ala2239= (NM_001127511.3); c.6825C>G, p.Ala2275= (NM_001354896.2, NM_001407447.1, NM_001407448.1 and 1 more transcripts); c.6801C>G, p.Ala2267= (NM_001354897.2); c.6696C>G, p.Ala2232= (NM_001354898.2); c.6687C>G, p.Ala2229= (NM_001354899.2); c.6648C>G, p.Ala2216= (NM_001354900.2); c.6594C>G, p.Ala2198= (NM_001354901.2, NM_001407453.1); and 11 more.
Identifiers: ClinVar variation 1755360 (VCV001755360.3), dbSNP rs1060504893, ClinGen allele CA446210001.
Genomic context (GRCh38, chr5:112,842,365, plus strand): 5'-AAATAGCTCCTCAAGTACAAGTCCTGTTTCTAAAAAAGGCCCACCCCTTAAGACTCCAGC[C>G]TCCAAAAGCCCTAGTGAAGGTCAAACAGCCACCACTTCTCCTAGAGGAGCCAAGCCATCT-3'
Protein context (NP_000029.2, residues 2247-2267): SKKGPPLKTP[Ala2257=]SKSPSEGQTA